The following is an entry in ClinVar:

NM_007194.4(CHEK2):c.920dup (p.Glu308fs)

Gene: CHEK2 (checkpoint kinase 2; minus strand). Cytogenetic location: 22q12.1.
Variant type: Duplication.
Coding change: c.920dup on transcript NM_007194.4 (MANE Select); coding-DNA position 920, one base duplicated (G; older notation c.920dupG).
Protein change: p.Glu308fs; shifts the reading frame from glutamic acid 308.
Molecular consequence: frameshift variant.
Genome position (GRCh38, 1-based): chr22:28,699,926, C duplicated on the plus strand (G on the coding strand, the reverse complement: CHEK2 is on the minus strand); the first of 5 consecutive C bases (chr22:28,699,926-28,699,930); duplicating any one gives the same sequence. VCF-style (leftmost placement, unchanged base first): chr22-28699925-T-TC. GRCh37 (hg19) VCF-style: chr22-29095913-T-TC.
Other names: c.1045dup, p.Glu351Argfs (NM_001005735.3); c.253dup, p.Glu87Argfs (NM_001257387.3); c.715dup, p.Glu241Argfs (NM_001349956.3); c.916dup, p.Glu308Argfs (NM_145862.3); short protein forms E351fs, E308fs, E87fs, E241fs.
Identifiers: ClinVar variation 186573 (VCV000186573.18), dbSNP rs786203053, ClinGen allele CA195208.
Genomic context (GRCh38, chr22:28,699,925, plus strand): 5'-ATAGAGCTTGCAGGTAGCTTCTTTCAGGCGTTTATTCCCCACCACTTTGTCAAACAGCTC[T>TC]CCCCCTTCCATCCTGAAACACAAAGGCAAGGCAAGGGGTTCATTCCTGGGGGAAAACGCA-3'

ClinVar aggregate classification (germline): Pathogenic. Review status: criteria provided, multiple submitters, no conflicts (2 of 4 stars). 4 submissions from 4 submitters: Pathogenic (4). Last evaluated 2025-12-09.

Conditions:
Hereditary cancer-predisposing syndrome. Also called: Neoplastic Syndromes, Hereditary; Tumor predisposition; Hereditary Cancer Syndrome; Hereditary neoplastic syndrome. Identifiers: Orphanet 140162, MedGen C0027672, MeSH D009386, MONDO:0015356.
Familial cancer of breast. Also called: BREAST CANCER, FAMILIAL; Hereditary breast cancer; hereditary breast carcinoma. Identifiers: Orphanet 227535, MedGen C0346153, MONDO:0016419, OMIM 114480. Disease mechanism: loss of function.

Submissions (4):

Labcorp Genetics (formerly Invitae), Labcorp
Classification: Pathogenic for Familial cancer of breast. Last evaluated: 2025-12-09. Review status: criteria provided, single submitter. Criteria: Invitae Variant Classification Sherloc (09022015). Collection method: clinical testing. Allele origin: germline.
Comment: This sequence change creates a premature translational stop signal (p.Glu308Argfs*4) in the CHEK2 gene. It is expected to result in an absent or disrupted protein product. Loss-of-function variants in CHEK2 are known to be pathogenic (PMID: 21876083, 24713400). This variant is not present in population databases (gnomAD no frequency). This premature translational stop signal has been observed in individual(s) with breast cancer (PMID: 28779002). ClinVar contains an entry for this variant (Variation ID: 186573). For these reasons, this variant has been classified as Pathogenic.

Ambry Genetics
Classification: Pathogenic for Hereditary cancer-predisposing syndrome. Last evaluated: 2024-08-27. Review status: criteria provided, single submitter. Criteria: Ambry Variant Classification Scheme 2023. Collection method: clinical testing. Allele origin: germline.
Comment: The c.920dupG pathogenic mutation, located in coding exon 8 of the CHEK2 gene, results from a duplication of G at nucleotide position 920, causing a translational frameshift with a predicted alternate stop codon (p.E308Rfs*4). This variant is considered to be rare based on population cohorts in the Genome Aggregation Database (gnomAD). This alteration is expected to result in loss of function by premature protein truncation or nonsense-mediated mRNA decay. As such, this alteration is interpreted as a disease-causing mutation.

Myriad Genetics, Inc.
Classification: Pathogenic for Familial cancer of breast. Last evaluated: 2023-06-27. Review status: criteria provided, single submitter. Criteria: Myriad Autosomal Dominant, Autosomal Recessive and X-Linked Classification Criteria (2023). Collection method: clinical testing. Allele origin: unknown.
Comment: This variant is considered pathogenic. This variant creates a frameshift predicted to result in premature protein truncation.

GeneDx
Classification: Pathogenic. Last evaluated: 2018-05-11. Review status: criteria provided, single submitter. Criteria: GeneDx Variant Classification (06012015). Collection method: clinical testing. Allele origin: germline. Affected: yes.
Comment: This duplication of one nucleotide in CHEK2 is denoted c.920dupG at the cDNA level and p.Glu308ArgfsX4 (E308RfsX4) at the protein level. The normal sequence, with the base that is duplicated in brackets, is AGGGG[dupG]AGAG. The duplication causes a frameshift which changes a Glutamic Acid to an Arginine at codon 308, and creates a premature stop codon at position 4 of the new reading frame. CHEK2 920dupG has been observed in individuals with breast cancer (Decker 2017). We consider this variant to be pathogenic.

Literature cited by the submitters: PubMed 21876083 (cited by Labcorp Genetics (formerly Invitae), Labcorp); PubMed 24713400 (cited by Labcorp Genetics (formerly Invitae), Labcorp); PubMed 28779002 (cited by Labcorp Genetics (formerly Invitae), Labcorp).